The following is an entry in ClinVar:

NM_001270.4(CHD1):c.4107+2T>G

Gene: CHD1 (chromodomain helicase DNA binding protein 1; minus strand). Cytogenetic location: 5q15.
Variant type: single nucleotide variant.
Coding change: c.4107+2T>G on transcript NM_001270.4 (MANE Select); the canonical splice donor site of the intron after coding-DNA position 4107, T replaced by G.
Molecular consequence: splice donor variant.
Genome position (GRCh38, 1-based): chr5:98,869,752, A>C on the plus strand (T>G on the coding strand, the complement: CHD1 is on the minus strand). VCF-style: chr5-98869752-A-C. GRCh37 (hg19) VCF-style: chr5-98205456-A-C.
Other names: c.4107+2T>G (NM_001376194.2, NM_001364113.3).
Identifiers: ClinVar variation 4528169 (VCV004528169.1).

ClinVar aggregate classification (germline): Uncertain significance (1 of 4 stars; one submission).

gnomAD v4.1: 1 of 1,612,990 alleles (0.000062%); highest among the groups gnomAD compares: Non-Finnish European, 0.000085%; no homozygotes.

Submission:

GeneDx
Classification: Uncertain significance. Last evaluated: 2025-05-08. Review status: criteria provided, single submitter. Criteria: GeneDx Variant Classification Process June 2021. Collection method: clinical testing. Allele origin: germline. Affected: yes.
Comment: Not observed at significant frequency in large population cohorts (gnomAD); Canonical splice site variant with an unclear effect on protein function; Has not been previously published as pathogenic or benign to our knowledge